The following is an entry in ClinVar:

ClinVar aggregate classification (germline): Uncertain significance (1 of 4 stars; one submission).

Conditions:
Glycine encephalopathy. Also called: Nonketotic hyperglycinemia; Non-ketotic hyperglycinemia. Identifiers: Orphanet 407, MedGen C0751748, MONDO:0011612, HP:0008288.

Submission:

Labcorp Genetics (formerly Invitae), Labcorp
Classification: Uncertain significance for Glycine encephalopathy. Last evaluated: 2021-11-26. Review status: criteria provided, single submitter. Criteria: Invitae Variant Classification Sherloc (09022015). Collection method: clinical testing. Allele origin: germline.
Comment: This variant is not present in population databases (gnomAD no frequency). In summary, the available evidence is currently insufficient to determine the role of this variant in disease. Therefore, it has been classified as a Variant of Uncertain Significance. Advanced modeling of protein sequence and biophysical properties (such as structural, functional, and spatial information, amino acid conservation, physicochemical variation, residue mobility, and thermodynamic stability) performed at Invitae indicates that this missense variant is expected to disrupt AMT protein function. This variant has not been reported in the literature in individuals affected with AMT-related conditions. This sequence change replaces isoleucine, which is neutral and non-polar, with asparagine, which is neutral and polar, at codon 277 of the AMT protein (p.Ile277Asn).

NM_000481.4(AMT):c.830T>A (p.Ile277Asn)

Gene: AMT (aminomethyltransferase; minus strand). Cytogenetic location: 3p21.31.
Variant type: single nucleotide variant.
Coding change: c.830T>A on transcript NM_000481.4 (MANE Select); coding-DNA position 830, T replaced by A.
Protein change: p.Ile277Asn; replaces isoleucine 277 with asparagine.
Molecular consequence: missense variant. On other transcripts: non-coding transcript variant (1).
Genome position (GRCh38, 1-based): chr3:49,419,018, A>T on the plus strand (T>A on the coding strand, the complement: AMT is on the minus strand). VCF-style: chr3-49419018-A-T. GRCh37 (hg19) VCF-style: chr3-49456451-A-T.
Other names: c.698T>A, p.Ile233Asn (NM_001164710.2); c.662T>A, p.Ile221Asn (NM_001164711.2); c.830T>A, p.Ile277Asn (NM_001164712.2); short protein forms I221N, I233N, I277N.
Identifiers: ClinVar variation 1384127 (VCV001384127.6), dbSNP rs1052014497, ClinGen allele CA352789756.